The following is an entry in ClinVar:

NM_022489.4(INF2):c.2788C>G (p.Arg930Gly)

Gene: INF2 (inverted formin 2; plus strand). Cytogenetic location: 14q32.33.
Variant type: single nucleotide variant.
Coding change: c.2788C>G on transcript NM_022489.4 (MANE Select); coding-DNA position 2788, C replaced by G.
Protein change: p.Arg930Gly; replaces arginine 930 with glycine.
Molecular consequence: missense variant.
Genome position (GRCh38, 1-based): chr14:104,713,219, C>G. VCF-style: chr14-104713219-C-G. GRCh37 (hg19) VCF-style: chr14-105179556-C-G.
Other names: c.2788C>G, p.Arg930Gly (NM_001031714.4); short protein forms R930G.
Identifiers: ClinVar variation 1509101 (VCV001509101.30), dbSNP rs764687744, ClinGen allele CA391222640.

ClinVar aggregate classification (germline): Conflicting classifications of pathogenicity. Review status: criteria provided, conflicting classifications (1 of 4 stars). 3 submissions from 3 submitters: Uncertain significance (1); Likely benign (2). Last evaluated 2024-03-01.

Conditions:
Focal segmental glomerulosclerosis 5 (FSGS5). Identifiers: Orphanet 656, MedGen C2750475, MONDO:0013191, OMIM 613237.
Charcot-Marie-Tooth disease dominant intermediate E. Also called: CHARCOT-MARIE-TOOTH NEUROPATHY WITH FOCAL SEGMENTAL GLOMERULONEPHRITIS. Identifiers: Orphanet 93114, MedGen C4302667, MONDO:0013758, OMIM 614455.

gnomAD v4.1: 12 of 1,555,946 alleles (0.00077%); highest among the groups gnomAD compares: Non-Finnish European, 0.00096%; no homozygotes.

Submissions (3):

CeGaT Center for Human Genetics Tuebingen
Classification: Likely benign. Last evaluated: 2024-03-01. Review status: criteria provided, single submitter. Criteria: CeGaT Center For Human Genetics Tuebingen Variant Classification Criteria Version 2. Collection method: clinical testing. Allele origin: germline. Affected: yes. Observed: 1 variant allele.
Comment: INF2: BP4

Labcorp Genetics (formerly Invitae), Labcorp
Classification: Likely benign for Charcot-Marie-Tooth disease dominant intermediate E; Focal segmental glomerulosclerosis 5. Last evaluated: 2024-02-20. Review status: criteria provided, single submitter. Criteria: Invitae Variant Classification Sherloc (09022015). Collection method: clinical testing. Allele origin: germline.

Fulgent Genetics
Classification: Uncertain significance for Focal segmental glomerulosclerosis 5; Charcot-Marie-Tooth disease dominant intermediate E. Last evaluated: 2021-07-07. Review status: criteria provided, single submitter. Criteria: ACMG Guidelines, 2015. Collection method: clinical testing. Allele origin: unknown.